The following is an entry in ClinVar:

NM_001128205.2(SULF1):c.113G>A (p.Arg38Gln)

Gene: SULF1 (sulfatase 1; plus strand). Cytogenetic location: 8q13.2.
Variant type: single nucleotide variant.
Coding change: c.113G>A on transcript NM_001128205.2 (MANE Select); coding-DNA position 113, G replaced by A.
Protein change: p.Arg38Gln; replaces arginine 38 with glutamine.
Molecular consequence: missense variant. On other transcripts: non-coding transcript variant (2).
Genome position (GRCh38, 1-based): chr8:69,564,088, G>A. VCF-style: chr8-69564088-G-A. GRCh37 (hg19) VCF-style: chr8-70476323-G-A.
Other names: c.113G>A, p.Arg38Gln (NM_001128204.2, NM_001128206.2, NM_015170.3); short protein forms R38Q.
Identifiers: ClinVar variation 1475976 (VCV001475976.6), dbSNP rs748661181, ClinGen allele CA4775483.

ClinVar aggregate classification (germline): Uncertain significance (1 of 4 stars; one submission).

Allele frequency attached by ClinVar (database versions not stated): ExAC 0.00001; gnomAD exomes 0.00001 and 0.00002; TOPMed 0.00003; gnomAD 0.00004.
gnomAD v4.1: 36 of 1,613,968 alleles (0.0022%); highest among the groups gnomAD compares: Non-Finnish European, 0.0028%; no homozygotes.

Submission:

Labcorp Genetics (formerly Invitae), Labcorp
Classification: Uncertain significance. Last evaluated: 2025-11-27. Review status: criteria provided, single submitter. Criteria: Invitae Variant Classification Sherloc (09022015). Collection method: clinical testing. Allele origin: germline.
Comment: This sequence change replaces arginine, which is basic and polar, with glutamine, which is neutral and polar, at codon 38 of the SULF1 protein (p.Arg38Gln). This variant is present in population databases (rs748661181, gnomAD 0.006%). This variant has not been reported in the literature in individuals affected with SULF1-related conditions. ClinVar contains an entry for this variant (Variation ID: 1475976). An algorithm developed to predict the effect of missense changes on protein structure and function (PolyPhen-2) suggests that this variant is likely to be tolerated. In summary, the available evidence is currently insufficient to determine the role of this variant in disease. Therefore, it has been classified as a Variant of Uncertain Significance.